The following is an entry in ClinVar:

NM_001377458.1(CLCC1):c.1381A>G (p.Ser461Gly)

Gene: CLCC1 (chloride channel CLIC like 1; minus strand). Cytogenetic location: 1p13.3.
Variant type: single nucleotide variant.
Coding change: c.1381A>G on transcript NM_001377458.1 (MANE Select); coding-DNA position 1381, A replaced by G.
Protein change: p.Ser461Gly; replaces serine 461 with glycine.
Molecular consequence: missense variant. On other transcripts: non-coding transcript variant (1).
Genome position (GRCh38, 1-based): chr1:108,937,079, T>C on the plus strand (A>G on the coding strand, the complement: CLCC1 is on the minus strand). VCF-style: chr1-108937079-T-C. GRCh37 (hg19) VCF-style: chr1-109479701-T-C.
Other names: c.1381A>G, p.Ser461Gly (NM_001048210.3, NM_001377459.1, NM_001377460.1 and 8 more transcripts); c.1018A>G, p.Ser340Gly (NM_001278202.2); c.826A>G, p.Ser276Gly (NM_001278203.1); c.1279A>G, p.Ser427Gly (NM_001377469.1); c.1090A>G, p.Ser364Gly (NM_001377470.1); c.1231A>G, p.Ser411Gly (NM_015127.5); short protein forms S411G, S427G, S461G, S340G, S276G, S364G.
Identifiers: ClinVar variation 1377947 (VCV001377947.6), dbSNP rs1653127250, ClinGen allele CA341456489.

ClinVar aggregate classification (germline): Uncertain significance (1 of 4 stars; one submission).

Allele frequency attached by ClinVar (database versions not stated): TOPMed below 0.00001.

Submission:

Labcorp Genetics (formerly Invitae), Labcorp
Classification: Uncertain significance. Last evaluated: 2025-01-15. Review status: criteria provided, single submitter. Criteria: Invitae Variant Classification Sherloc (09022015). Collection method: clinical testing. Allele origin: germline.
Comment: This sequence change replaces serine, which is neutral and polar, with glycine, which is neutral and non-polar, at codon 461 of the CLCC1 protein (p.Ser461Gly). This variant is not present in population databases (gnomAD no frequency). This variant has not been reported in the literature in individuals affected with CLCC1-related conditions. ClinVar contains an entry for this variant (Variation ID: 1377947). An algorithm developed to predict the effect of missense changes on protein structure and function outputs the following: PolyPhen-2: "Benign". The glycine amino acid residue is found in multiple mammalian species, which suggests that this missense change does not adversely affect protein function. In summary, the available evidence is currently insufficient to determine the role of this variant in disease. Therefore, it has been classified as a Variant of Uncertain Significance.